The following is an entry in ClinVar:

ClinVar aggregate classification (germline): Uncertain significance (0 of 4 stars; one submission).

Conditions:
PACS2-related disorder. Also called: PACS2-related condition.

Submission:

PreventionGenetics, part of Exact Sciences
Classification: Uncertain significance for PACS2-related condition. Last evaluated: 2024-08-28. Review status: no assertion criteria provided. Collection method: clinical testing. Allele origin: germline.
Comment: The PACS2 c.2510A>C variant is predicted to result in the amino acid substitution p.Asp837Ala. To our knowledge, this variant has not been reported in the literature or in gnomAD, indicating this variant is rare. At this time, the clinical significance of this variant is uncertain due to the absence of conclusive functional and genetic evidence.

NM_001100913.3(PACS2):c.2510A>C (p.Asp837Ala)

Gene: PACS2 (phosphofurin acidic cluster sorting protein 2; plus strand). Cytogenetic location: 14q32.33.
Variant type: single nucleotide variant.
Coding change: c.2510A>C on transcript NM_001100913.3 (MANE Select); coding-DNA position 2510, A replaced by C.
Protein change: p.Asp837Ala; replaces aspartic acid 837 with alanine.
Molecular consequence: missense variant.
Genome position (GRCh38, 1-based): chr14:105,393,249, A>C. VCF-style: chr14-105393249-A-C. GRCh37 (hg19) VCF-style: chr14-105859586-A-C.
Other names: c.2240A>C, p.Asp747Ala (NM_001243127.3); c.2465A>C, p.Asp822Ala (NM_015197.4); short protein forms D747A, D822A, D837A.
Identifiers: ClinVar variation 3345501 (VCV003345501.1).
Genomic context (GRCh38, chr14:105,393,249, plus strand): 5'-AAGATGACAGCAGGGCCTCTTTTCTCCTCCCAGTGATGTTTCTGCCCAAGAAAGCGAAGG[A>C]CAAGGACGTGGAGTCTAAGAGCCAGTGCATTGAGGGCATCAGCCGGCTCATCTGCACTGC-3'
Protein context (NP_001094383.2, residues 827-847): KVMFLPKKAK[Asp837Ala]KDVESKSQCI